The following is an entry in ClinVar:

NM_000465.4(BARD1):c.364+13_364+18del

Gene: BARD1 (BRCA1 associated RING domain 1; minus strand). Cytogenetic location: 2q35.
Variant type: Deletion.
Coding change: c.364+13_364+18del on transcript NM_000465.4 (MANE Select); bases 13 to 18 of the intron after coding-DNA position 364, 6 bases deleted (CCTATC; older notation c.364+13_364+18delCCTATC).
Molecular consequence: intron variant.
Genome position (GRCh38, 1-based): chr2:214,792,279-214,792,284, GATAGG deleted on the plus strand (CCTATC on the coding strand, the reverse complement: BARD1 is on the minus strand); deleting any 6 consecutive bases within chr2:214,792,279-214,792,289 gives the same sequence; the c. name uses the placement nearest the transcript's 3' end. VCF-style (leftmost placement, unchanged base first): chr2-214792278-AGATAGG-A. GRCh37 (hg19) VCF-style: chr2-215657002-AGATAGG-A.
Other names: c.364+13_364+18delCCTATC (NM_000465.2); c.158+17128_158+17133del (NM_001282548.2); c.307+13_307+18del (NM_001282543.2); c.215+4777_215+4782del (NM_001282545.2); c.364+13_364+18del (NM_001282549.2).
Identifiers: ClinVar variation 512356 (VCV000512356.4), dbSNP rs1553624692, ClinGen allele CA658796167.

ClinVar aggregate classification (germline): Likely benign. Review status: criteria provided, multiple submitters, no conflicts (2 of 4 stars). 2 submissions from 2 submitters: Likely benign (2). Last evaluated 2024-01-20.

Conditions:
Familial cancer of breast. Also called: BREAST CANCER, FAMILIAL; hereditary breast carcinoma; Hereditary breast cancer. Identifiers: Orphanet 227535, MedGen C0346153, MONDO:0016419, OMIM 114480. Disease mechanism: loss of function.

Submissions (2):

Labcorp Genetics (formerly Invitae), Labcorp
Classification: Likely benign for Familial cancer of breast. Last evaluated: 2024-01-20. Review status: criteria provided, single submitter. Criteria: Invitae Variant Classification Sherloc (09022015). Collection method: clinical testing. Allele origin: germline.

GeneDx
Classification: Likely benign. Last evaluated: 2017-09-22. Review status: criteria provided, single submitter. Criteria: GeneDx Variant Classification (06012015). Collection method: clinical testing. Allele origin: germline. Affected: yes.
Comment: This variant is considered likely benign or benign based on one or more of the following criteria: it is a conservative change, it occurs at a poorly conserved position in the protein, it is predicted to be benign by multiple in silico algorithms, and/or has population frequency not consistent with disease.